The following is an entry in ClinVar:

ClinVar aggregate classification (germline): Conflicting classifications of pathogenicity. Review status: criteria provided, conflicting classifications (1 of 4 stars). 3 submissions from 3 submitters: Uncertain significance (2); Likely benign (1). Last evaluated 2026-07-05.

Conditions:
Hereditary breast ovarian cancer syndrome. Also called: Hereditary breast and ovarian cancer syndrome; Hereditary breast and/or ovarian cancer syndrome; Breast and ovarian cancer; BRCA1- and BRCA2-Associated Hereditary Breast and Ovarian Cancer; Hereditary breast and ovarian cancer; Hereditary breast and ovarian cancer syndrome (HBOC). Identifiers: Orphanet 145, MedGen C0677776, MeSH D061325, MONDO:0003582. Disease mechanism: loss of function.
Hereditary cancer-predisposing syndrome. Also called: Neoplastic Syndromes, Hereditary; Hereditary Cancer Syndrome; Tumor predisposition; Hereditary neoplastic syndrome. Identifiers: Orphanet 140162, MedGen C0027672, MeSH D009386, MONDO:0015356.

Submissions (3):

Ambry Genetics
Classification: Uncertain significance for Hereditary cancer-predisposing syndrome. Last evaluated: 2026-07-05. Review status: criteria provided, single submitter. Criteria: Ambry Variant Classification Scheme 2023. Collection method: clinical testing. Allele origin: germline.
Comment: The p.Q1138K variant (also known as c.3412C>A), located in coding exon 10 of the BRCA2 gene, results from a C to A substitution at nucleotide position 3412. The glutamine at codon 1138 is replaced by lysine, an amino acid with similar properties. This amino acid position is conserved. In addition, this alteration is predicted to be tolerated by in silico analysis. Based on the available evidence, the clinical significance of this variant remains unclear.

University of Washington Department of Laboratory Medicine, University of Washington
Classification: Likely benign for Hereditary cancer-predisposing syndrome. Last evaluated: 2023-03-23. Review status: criteria provided, single submitter. Criteria: Dines et al. (Genet Med. 2020). Collection method: curation. Allele origin: germline.
Comment: Missense variant in a coldspot region where missense variants are very unlikely to be pathogenic (PMID:31911673).

BRCA2 exon 11 coldspot. Reclassification based on statistical prior probability.

Labcorp Genetics (formerly Invitae), Labcorp
Classification: Uncertain significance for Hereditary breast ovarian cancer syndrome. Last evaluated: 2020-02-20. Review status: criteria provided, single submitter. Criteria: Invitae Variant Classification Sherloc (09022015). Collection method: clinical testing. Allele origin: germline.
Comment: Algorithms developed to predict the effect of missense changes on protein structure and function output the following: SIFT: "Tolerated"; PolyPhen-2: "Benign"; Align-GVGD: "Class C0". The lysine amino acid residue is found in multiple mammalian species, suggesting that this missense change does not adversely affect protein function. These predictions have not been confirmed by published functional studies and their clinical significance is uncertain. This variant has not been reported in the literature in individuals with BRCA2-related conditions. This variant is not present in population databases (ExAC no frequency). This sequence change replaces glutamine with lysine at codon 1138 of the BRCA2 protein (p.Gln1138Lys). The glutamine residue is moderately conserved and there is a small physicochemical difference between glutamine and lysine. In summary, the available evidence is currently insufficient to determine the role of this variant in disease. Therefore, it has been classified as a Variant of Uncertain Significance.

NM_000059.4(BRCA2):c.3412C>A (p.Gln1138Lys)

Gene: BRCA2 (BRCA2 DNA repair associated; plus strand). Cytogenetic location: 13q13.1.
Variant type: single nucleotide variant.
Coding change: c.3412C>A on transcript NM_000059.4 (MANE Select); coding-DNA position 3412, C replaced by A.
Protein change: p.Gln1138Lys; replaces glutamine 1138 with lysine.
Molecular consequence: missense variant.
Genome position (GRCh38, 1-based): chr13:32,337,767, C>A. VCF-style: chr13-32337767-C-A. GRCh37 (hg19) VCF-style: chr13-32911904-C-A.
Other names: short protein forms Q1138K.
Identifiers: ClinVar variation 960059 (VCV000960059.12), dbSNP rs587782613, ClinGen allele CA387776492.